The following is an entry in ClinVar:

ClinVar aggregate classification (germline): Uncertain significance (1 of 4 stars; one submission).

Conditions:
DiGeorge syndrome. Also called: Catch22; THIRD AND FOURTH PHARYNGEAL POUCH SYNDROME. Identifiers: Orphanet 567, MedGen C0012236, MONDO:0008564, OMIM 188400.

Submission:

Labcorp Genetics (formerly Invitae), Labcorp
Classification: Uncertain significance for DiGeorge syndrome. Last evaluated: 2022-03-03. Review status: criteria provided, single submitter. Criteria: Invitae Variant Classification Sherloc (09022015). Collection method: clinical testing. Allele origin: germline.
Comment: This variant, c.1392_1397dup, results in the insertion of 2 amino acid(s) of the TBX1 protein (p.Ala475_Ala476dup), but otherwise preserves the integrity of the reading frame. This variant is not present in population databases (gnomAD no frequency). This variant has not been reported in the literature in individuals affected with TBX1-related conditions. Experimental studies and prediction algorithms are not available or were not evaluated, and the functional significance of this variant is currently unknown. In summary, the available evidence is currently insufficient to determine the role of this variant in disease. Therefore, it has been classified as a Variant of Uncertain Significance.

NM_001379200.1(TBX1):c.1419_1424dup (p.Ala484_Ala485dup)

Gene: TBX1 (T-box transcription factor 1; plus strand). Cytogenetic location: 22q11.21.
Variant type: Duplication.
Coding change: c.1419_1424dup on transcript NM_001379200.1 (MANE Select); coding-DNA positions 1419 to 1424, 6 bases duplicated (GGCCGC; older notation c.1419_1424dupGGCCGC).
Protein change: p.Ala484_Ala485dup.
Molecular consequence: inframe insertion. On other transcripts: intron variant (2).
Genome position (GRCh38, 1-based): chr22:19,766,771-19,766,776, GGCCGC duplicated; duplicating any 6 consecutive bases within chr22:19,766,766-19,766,776 gives the same sequence; the c. name uses the placement nearest the transcript's 3' end. VCF-style (leftmost placement, unchanged base first): chr22-19766765-C-CGCCGCG. GRCh37 (hg19) VCF-style: chr22-19754288-C-CGCCGCG.
Other names: c.1392_1397dup, p.Ala475_Ala476dup (NM_080647.1); c.1009+769_1009+774dup (NM_005992.1, NM_080646.2).
Identifiers: ClinVar variation 1406421 (VCV001406421.8), dbSNP rs1478207118, ClinGen allele CA751463795.